The following is an entry in ClinVar:

NM_024422.6(DSC2):c.34G>C (p.Gly12Arg)

Genes: DSC2 (desmocollin 2; minus strand), DSCAS (DSC1/DSC2 antisense RNA; plus strand). Cytogenetic location: 18q12.1.
Variant type: single nucleotide variant.
Coding change: c.34G>C on transcript NM_024422.6 (MANE Select); coding-DNA position 34, G replaced by C.
Protein change: p.Gly12Arg; replaces glycine 12 with arginine.
Molecular consequence: missense variant.
Genome position (GRCh38, 1-based): chr18:31,101,938, C>G on the plus strand (G>C on the coding strand, the complement: DSC2 is on the minus strand). VCF-style: chr18-31101938-C-G. GRCh37 (hg19) VCF-style: chr18-28681901-C-G.
Other names: c.34G>C, p.Gly12Arg (NM_004949.5); short protein forms G12R.
Identifiers: ClinVar variation 241473 (VCV000241473.14), dbSNP rs568391206, ClinGen allele CA10583697.

ClinVar aggregate classification (germline): Conflicting classifications of pathogenicity. Review status: criteria provided, conflicting classifications (1 of 4 stars). 2 submissions from 2 submitters: Uncertain significance (1); Likely benign (1). Last evaluated 2024-05-06.

Conditions:
Cardiomyopathy (CMYO). Also called: Cardiomyopathies. Identifiers: Orphanet 167848, MedGen C0878544, MONDO:0004994, HP:0001638. Inheritance: Various modes of inheritance.
Arrhythmogenic right ventricular dysplasia 11. Also called: Arrhythmogenic Right Ventricular Dysplasia/Cardiomyopathy11; ARRHYTHMOGENIC RIGHT VENTRICULAR DYSPLASIA, FAMILIAL, 11; Arrhythmogenic right ventricular dysplasia 11 with mild palmoplantar keratoderma and woolly hair. Identifiers: MedGen C1864850, MONDO:0012506, OMIM 610476.

Submissions (2):

Labcorp Genetics (formerly Invitae), Labcorp
Classification: Likely benign for Arrhythmogenic right ventricular dysplasia 11. Last evaluated: 2024-05-06. Review status: criteria provided, single submitter. Criteria: Invitae Variant Classification Sherloc (09022015). Collection method: clinical testing. Allele origin: germline.

Color Diagnostics, LLC DBA Color Health
Classification: Uncertain significance for Cardiomyopathy. Last evaluated: 2020-02-21. Review status: criteria provided, single submitter. Criteria: ACMG Guidelines, 2015. Collection method: clinical testing. Allele origin: germline.
Comment: This missense variant replaces glycine with arginine at codon 12 of the DSC2 protein. Computational prediction suggests that this variant may not impact protein structure and function (internally defined REVEL score threshold <= 0.5, PMID: 27666373). Splice site prediction tools suggest that this variant may not impact RNA splicing. To our knowledge, functional studies have not been performed for this variant. This variant has been reported in individuals affected with hypertrophic cardiomyopathy (PMID: 25351510), as well as in a healthy individual (PMID: 21636032). This variant has not been identified in the general population by the Genome Aggregation Database (gnomAD). The available evidence is insufficient to determine the role of this variant in disease conclusively. Therefore, this variant is classified as a Variant of Uncertain Significance.